The following is an entry in ClinVar:

NM_013352.4(DSE):c.2032G>A (p.Gly678Arg)

Gene: DSE (dermatan sulfate epimerase; plus strand). Cytogenetic location: 6q22.1.
Variant type: single nucleotide variant.
Coding change: c.2032G>A on transcript NM_013352.4 (MANE Select); coding-DNA position 2032, G replaced by A.
Protein change: p.Gly678Arg; replaces glycine 678 with arginine.
Molecular consequence: missense variant. On other transcripts: 3 prime UTR variant (2), non-coding transcript variant (1).
Genome position (GRCh38, 1-based): chr6:116,436,500, G>A. VCF-style: chr6-116436500-G-A. GRCh37 (hg19) VCF-style: chr6-116757663-G-A.
Other names: c.2032G>A, p.Gly678Arg (NM_001080976.3, NM_001322937.2, NM_001322938.2); c.2089G>A, p.Gly697Arg (NM_001322939.2); c.1471G>A, p.Gly491Arg (NM_001322940.2, NM_001322941.2); c.*897G>A (NM_001322943.2, NM_001322944.2); c.1033G>A, p.Gly345Arg (NM_001374520.1); c.997G>A, p.Gly333Arg (NM_001374521.1); short protein forms G345R, G491R, G678R, G697R, G333R.
Identifiers: ClinVar variation 2186400 (VCV002186400.2), dbSNP rs764589290, ClinGen allele CA3969747.

ClinVar aggregate classification (germline): Uncertain significance (1 of 4 stars; one submission).

Conditions:
Ehlers-Danlos syndrome, musculocontractural type 2 (EDSMC2). Identifiers: Orphanet 2953, MedGen C3809845, MONDO:0014236, OMIM 615539.

Allele frequency attached by ClinVar (database versions not stated): ExAC 0.00001; gnomAD 0.00001; gnomAD exomes 0.00001; TOPMed 0.00001.
gnomAD v4.1: 16 of 1,613,946 alleles (0.00099%); highest among the groups gnomAD compares: Middle Eastern, 0.016%; no homozygotes.

Submission:

Labcorp Genetics (formerly Invitae), Labcorp
Classification: Uncertain significance for Ehlers-Danlos syndrome, musculocontractural type 2. Last evaluated: 2022-04-29. Review status: criteria provided, single submitter. Criteria: Invitae Variant Classification Sherloc (09022015). Collection method: clinical testing. Allele origin: germline.
Comment: This sequence change replaces glycine, which is neutral and non-polar, with arginine, which is basic and polar, at codon 678 of the DSE protein (p.Gly678Arg). This variant is present in population databases (rs764589290, gnomAD 0.006%). This variant has not been reported in the literature in individuals affected with DSE-related conditions. Algorithms developed to predict the effect of missense changes on protein structure and function are either unavailable or do not agree on the potential impact of this missense change (SIFT: "Not Available"; PolyPhen-2: "Possibly Damaging"; Align-GVGD: "Not Available"). In summary, the available evidence is currently insufficient to determine the role of this variant in disease. Therefore, it has been classified as a Variant of Uncertain Significance.